The following is an entry in ClinVar:

NM_001387430.1(SH2B1):c.1215C>A (p.Asp405Glu)

Gene: SH2B1 (SH2B adaptor protein 1; plus strand). Cytogenetic location: 16p11.2.
Variant type: single nucleotide variant.
Coding change: c.1215C>A on transcript NM_001387430.1 (MANE Select); coding-DNA position 1215, C replaced by A.
Protein change: p.Asp405Glu; replaces aspartic acid 405 with glutamic acid.
Molecular consequence: missense variant.
Genome position (GRCh38, 1-based): chr16:28,869,289, C>A. VCF-style: chr16-28869289-C-A. GRCh37 (hg19) VCF-style: chr16-28880610-C-A.
Other names: c.1215C>A, p.Asp405Glu (NM_001145795.2, NM_001145796.2, NM_001145797.2 and 4 more transcripts); c.1215C>A (NM_001145795.1); c.207C>A, p.Asp69Glu (NM_001308294.2); short protein forms D69E, D405E.
Identifiers: ClinVar variation 1937249 (VCV001937249.6), dbSNP rs1962901796, ClinGen allele CA395394358.

ClinVar aggregate classification (germline): Uncertain significance. Review status: criteria provided, multiple submitters, no conflicts (2 of 4 stars). 2 submissions from 2 submitters: Uncertain significance (2). Last evaluated 2026-04-08.

Conditions:
SH2B1-related disorder. Also called: SH2B1-related condition.

Allele frequency attached by ClinVar (database versions not stated): TOPMed below 0.00001.

Submissions (2):

PreventionGenetics, part of Exact Sciences
Classification: Uncertain significance for SH2B1-related condition. Last evaluated: 2026-04-08. Review status: criteria provided, single submitter. Criteria: ACMG Guidelines, 2015. Collection method: clinical testing. Allele origin: germline.
Comment: The SH2B1 c.1215C>A variant is predicted to result in the amino acid substitution p.Asp405Glu. To our knowledge, this variant has not been reported in the literature or in a large population database (gnomAD), indicating this variant is rare. At this time, the clinical significance of this variant is uncertain due to the absence of conclusive functional and genetic evidence.

Labcorp Genetics (formerly Invitae), Labcorp
Classification: Uncertain significance. Last evaluated: 2022-10-07. Review status: criteria provided, single submitter. Criteria: Invitae Variant Classification Sherloc (09022015). Collection method: clinical testing. Allele origin: germline.
Comment: In summary, the available evidence is currently insufficient to determine the role of this variant in disease. Therefore, it has been classified as a Variant of Uncertain Significance. Algorithms developed to predict the effect of missense changes on protein structure and function (SIFT, PolyPhen-2, Align-GVGD) all suggest that this variant is likely to be tolerated. This variant has not been reported in the literature in individuals affected with SH2B1-related conditions. This variant is not present in population databases (gnomAD no frequency). This sequence change replaces aspartic acid, which is acidic and polar, with glutamic acid, which is acidic and polar, at codon 405 of the SH2B1 protein (p.Asp405Glu).